The following is an entry in ClinVar:

NM_006939.4(SOS2):c.859-66C>G

Gene: SOS2 (SOS Ras/Rho guanine nucleotide exchange factor 2; minus strand). Cytogenetic location: 14q21.3.
Variant type: single nucleotide variant.
Coding change: c.859-66C>G on transcript NM_006939.4 (MANE Select); 66 bases into the intron before coding-DNA position 859, C replaced by G.
Molecular consequence: intron variant.
Genome position (GRCh38, 1-based): chr14:50,180,748, G>C on the plus strand (C>G on the coding strand, the complement: SOS2 is on the minus strand). VCF-style: chr14-50180748-G-C. GRCh37 (hg19) VCF-style: chr14-50647466-G-C.
Identifiers: ClinVar variation 561648 (VCV000561648.2), dbSNP rs7146333, ClinGen allele CA260706793.

ClinVar aggregate classification (germline): Likely benign. Review status: criteria provided, multiple submitters, no conflicts (2 of 4 stars). 2 submissions from 2 submitters: Likely benign (2). Last evaluated 2018-06-14.

Allele frequency attached by ClinVar (database versions not stated): gnomAD 0.00507 and 0.00546; TOPMed 0.00614; 1000 Genomes Project 0.00619; 1000 Genomes Project 30x 0.00625.
gnomAD v4.1: 1,163 of 873,360 alleles (0.13%); highest among the groups gnomAD compares: African/African-American, 1.6%; 12 homozygotes.

Submissions (2):

GeneDx
Classification: Likely benign. Last evaluated: 2018-06-14. Review status: criteria provided, single submitter. Criteria: GeneDx Variant Classification (06012015). Collection method: clinical testing. Allele origin: germline. Affected: yes.
Comment: This variant is considered likely benign or benign based on one or more of the following criteria: it is a conservative change, it occurs at a poorly conserved position in the protein, it is predicted to be benign by multiple in silico algorithms, and/or has population frequency not consistent with disease.

Breakthrough Genomics
Classification: Likely benign. Review status: criteria provided, single submitter. Criteria: ACMG Guidelines, 2015. Collection method: not provided. Allele origin: germline. Inheritance: Autosomal dominant inheritance. Affected: yes.